The following is an entry in ClinVar:

NM_001253.4(CDC5L):c.948G>C (p.Ala316=)

Gene: CDC5L (cell division cycle 5 like; plus strand). Cytogenetic location: 6p21.1.
Variant type: single nucleotide variant.
Coding change: c.948G>C on transcript NM_001253.4 (MANE Select); coding-DNA position 948, G replaced by C.
Protein change: p.Ala316=; no amino-acid change (alanine 316 retained).
Molecular consequence: synonymous variant.
Genome position (GRCh38, 1-based): chr6:44,408,488, G>C. VCF-style: chr6-44408488-G-C. GRCh37 (hg19) VCF-style: chr6-44376225-G-C.
Identifiers: ClinVar variation 4992980 (VCV004992980.1).

ClinVar aggregate classification (germline): Likely benign (1 of 4 stars; one submission).

Conditions:
CDC5L-related disorder. Also called: CDC5L-related condition.

gnomAD v4.1: 1 of 1,613,842 alleles (0.000062%); highest among the groups gnomAD compares: East Asian, 0.0022%; no homozygotes.

Submission:

PreventionGenetics, part of Exact Sciences
Classification: Likely benign for CDC5L-related condition. Last evaluated: 2025-08-15. Review status: criteria provided, single submitter. Criteria: ACMG Guidelines, 2015. Collection method: clinical testing. Allele origin: germline.
Comment: This variant is classified as likely benign based on ACMG/AMP sequence variant interpretation guidelines (Richards et al. 2015 PMID: 25741868, with internal and published modifications).